The following is an entry in ClinVar:

ClinVar aggregate classification (germline): Likely pathogenic (1 of 4 stars; one submission).

Submission:

GeneDx
Classification: Likely pathogenic. Last evaluated: 2016-01-12. Review status: criteria provided, single submitter. Criteria: GeneDx Variant Classification (06012015). Collection method: clinical testing. Allele origin: germline. Affected: yes.
Comment: The S669R variant in the EZH2 gene has not been reported previously as a germline pathogenic variant, nor as a benign variant, to our knowledge. The S669R variant was not observed in approximately 6500 individuals of European and African American ancestry in the NHLBI Exome Sequencing Project, indicating it is not a common benign variant in these populations. The S669R variant is a semi-conservative amino acid substitution, which occurs at a position that is conserved across species. In silico analysis predicts this variant is probably damaging to the protein structure/function. Missense variants in nearby residues (Y663N, D664V, N673Y) have been reported in the Human Gene Mutation Database in association with Weaver syndrome (Stenson et al., 2014), supporting the functional importance of this region of the protein.

NM_004456.5(EZH2):c.2007C>G (p.Ser669Arg)

Gene: EZH2 (enhancer of zeste 2 polycomb repressive complex 2 subunit; minus strand). Cytogenetic location: 7q36.1.
Variant type: single nucleotide variant.
Coding change: c.2007C>G on transcript NM_004456.5 (MANE Select); coding-DNA position 2007, C replaced by G.
Protein change: p.Ser669Arg; replaces serine 669 with arginine.
Molecular consequence: missense variant.
Genome position (GRCh38, 1-based): chr7:148,810,355, G>C on the plus strand (C>G on the coding strand, the complement: EZH2 is on the minus strand). VCF-style: chr7-148810355-G-C. GRCh37 (hg19) VCF-style: chr7-148507447-G-C.
Other names: c.1992C>G, p.Ser664Arg (NM_001203247.2); c.1965C>G, p.Ser655Arg (NM_001203248.2); c.1839C>G, p.Ser613Arg (NM_001203249.2); c.1875C>G, p.Ser625Arg (NM_152998.3); short protein forms S669R, S613R, S625R, S664R, S655R.
Identifiers: ClinVar variation 265527 (VCV000265527.2), dbSNP rs886039601, ClinGen allele CA10588420.